The following is an entry in ClinVar:

NM_007294.4(BRCA1):c.4186-1247A>T

Gene: BRCA1 (BRCA1 DNA repair associated; minus strand). Cytogenetic location: 17q21.31.
Variant type: single nucleotide variant.
Coding change: c.4186-1247A>T on transcript NM_007294.4 (MANE Select); 1247 bases into the intron before coding-DNA position 4186, A replaced by T.
Molecular consequence: intron variant.
Genome position (GRCh38, 1-based): chr17:43,083,822, T>A on the plus strand (A>T on the coding strand, the complement: BRCA1 is on the minus strand). VCF-style: chr17-43083822-T-A. GRCh37 (hg19) VCF-style: chr17-41235839-T-A.
Other names: IVS 12-1247A>T; c.736-1247A>T (NM_001408458.1, NM_001408453.1, NM_001408461.1 and 8 more transcripts); c.3298-1247A>T (NM_001407967.1, NM_001407966.1); c.3805-1247A>T (NM_001407959.1, NM_001407960.1); c.3919-1247A>T (NM_001407931.1, NM_001407932.1, NM_001407936.1 and 1 more transcripts); c.4042-1247A>T (NM_001407747.1, NM_001407839.1, NM_001407745.1 and 17 more transcripts); c.3802-1247A>T (NM_001407962.1); c.373-1247A>T (NM_001408512.1); and 65 more.
Identifiers: ClinVar variation 209414 (VCV000209414.2), dbSNP rs8176182, ClinGen allele CA276386.

ClinVar aggregate classification (germline): Benign (3 of 4 stars; one submission).

Conditions:
Breast-ovarian cancer, familial, susceptibility to, 1 (BROVCA1). Also called: BRCA1 Hereditary Breast and Ovarian Cancer; OVARIAN CANCER, SUSCEPTIBILITY TO. Identifiers: Orphanet 145, MedGen C2676676, MONDO:0011450, OMIM 604370. Disease mechanism: loss of function.

Allele frequency attached by ClinVar (database versions not stated): TOPMed 0.00897; 1000 Genomes Project 0.00938; 1000 Genomes Project 30x 0.01046.
gnomAD v4.1: 1,249 of 152,274 alleles (0.82%); highest among the groups gnomAD compares: African/African-American, 2.8%; 17 homozygotes.

Submission:

Evidence-based Network for the Interpretation of Germline Mutant Alleles (ENIGMA)
Classification: Benign for Breast-ovarian cancer, familial 1. Last evaluated: 2015-01-12. Review status: reviewed by expert panel. Criteria: ENIGMA BRCA1/2 Classification Criteria (2015). Collection method: curation. Allele origin: germline.
Comment: Class 1 not pathogenic based on frequency >1% in an outbred sampleset. Frequency 0.05894 (African), derived from 1000 genomes (2012-04-30).